The following is an entry in ClinVar:

ClinVar aggregate classification (germline): Likely benign (1 of 4 stars; one submission).

Allele frequency attached by ClinVar (database versions not stated): gnomAD exomes 0.00667; 1000 Genomes Project 0.00300; TOPMed 0.00614; gnomAD 0.00641 and 0.00631; 1000 Genomes Project 30x 0.00312.

Submission:

GeneDx
Classification: Likely benign. Last evaluated: 2018-06-14. Review status: criteria provided, single submitter. Criteria: GeneDx Variant Classification (06012015). Collection method: clinical testing. Allele origin: germline. Affected: yes.
Comment: This variant is considered likely benign or benign based on one or more of the following criteria: it is a conservative change, it occurs at a poorly conserved position in the protein, it is predicted to be benign by multiple in silico algorithms, and/or has population frequency not consistent with disease.

NM_017636.3(TRPM4):c.-262C>T

Gene: TRPM4 (transient receptor potential cation channel subfamily M member 4; plus strand). Cytogenetic location: 19q13.33.
Variant type: single nucleotide variant.
Coding change: c.-262C>T on transcript NM_017636.3; 262 bases upstream of the start codon, C replaced by T.
Genome position (GRCh38, 1-based): chr19:49,157,605, C>T. VCF-style: chr19-49157605-C-T. GRCh37 (hg19) VCF-style: chr19-49660862-C-T.
Identifiers: ClinVar variation 672765 (VCV000672765.3), dbSNP rs113537559, ClinGen allele CA309424629.